The following is an entry in ClinVar:

ClinVar aggregate classification (germline): Uncertain significance. Review status: criteria provided, multiple submitters, no conflicts (2 of 4 stars). 2 submissions from 2 submitters: Uncertain significance (2). Last evaluated 2022-04-10.

Conditions:
Hereditary cancer-predisposing syndrome. Also called: Neoplastic Syndromes, Hereditary; Hereditary neoplastic syndrome; Tumor predisposition; Hereditary Cancer Syndrome. Identifiers: Orphanet 140162, MedGen C0027672, MeSH D009386, MONDO:0015356.
Juvenile polyposis syndrome (JPS). Identifiers: Orphanet 2929, MedGen C0345893, MONDO:0017380, OMIM 174900.

Allele frequency attached by ClinVar (database versions not stated): gnomAD exomes below 0.00001; ExAC 0.00001.
gnomAD v4.1: 1 of 1,614,104 alleles (0.000062%); highest among the groups gnomAD compares: South Asian, 0.0011%; no homozygotes.

Submissions (2):

Ambry Genetics
Classification: Uncertain significance for Hereditary cancer-predisposing syndrome. Last evaluated: 2022-04-10. Review status: criteria provided, single submitter. Criteria: Ambry Variant Classification Scheme 2023. Collection method: clinical testing. Allele origin: germline.
Comment: The p.I165M variant (also known as c.495T>G), located in coding exon 5 of the BMPR1A gene, results from a T to G substitution at nucleotide position 495. The isoleucine at codon 165 is replaced by methionine, an amino acid with highly similar properties. This amino acid position is conserved. In addition, this alteration is predicted to be tolerated by in silico analysis. Since supporting evidence is limited at this time, the clinical significance of this alteration remains unclear.

Labcorp Genetics (formerly Invitae), Labcorp
Classification: Uncertain significance for Juvenile polyposis syndrome. Last evaluated: 2018-08-25. Review status: criteria provided, single submitter. Criteria: Invitae Variant Classification Sherloc (09022015). Collection method: clinical testing. Allele origin: germline.
Comment: In summary, the available evidence is currently insufficient to determine the role of this variant in disease. Therefore, it has been classified as a Variant of Uncertain Significance. Algorithms developed to predict the effect of missense changes on protein structure and function are either unavailable or do not agree on the potential impact of this missense change (SIFT: "Deleterious"; PolyPhen-2: "Benign"; Align-GVGD: "Class C0"). This sequence change replaces isoleucine with methionine at codon 165 of the BMPR1A protein (p.Ile165Met). The isoleucine residue is moderately conserved and there is a small physicochemical difference between isoleucine and methionine. This variant is present in population databases (rs763934014, ExAC 0.006%). This variant has not been reported in the literature in individuals with BMPR1A-related disease.

NM_004329.3(BMPR1A):c.495T>G (p.Ile165Met)

Gene: BMPR1A (bone morphogenetic protein receptor type 1A; plus strand). Cytogenetic location: 10q23.2.
Variant type: single nucleotide variant.
Coding change: c.495T>G on transcript NM_004329.3 (MANE Select); coding-DNA position 495, T replaced by G.
Protein change: p.Ile165Met; replaces isoleucine 165 with methionine.
Molecular consequence: missense variant.
Genome position (GRCh38, 1-based): chr10:86,900,091, T>G. VCF-style: chr10-86900091-T-G. GRCh37 (hg19) VCF-style: chr10-88659848-T-G.
Other names: short protein forms I165M.
Identifiers: ClinVar variation 665773 (VCV000665773.12), dbSNP rs763934014, ClinGen allele CA5585533.
Genomic context (GRCh38, chr10:86,900,091, plus strand): 5'-GTTTTTTGATGGCAGCATTCGATGGCTGGTTTTGCTCATTTCTATGGCTGTCTGCATAAT[T>G]GCTATGATCATCTTCTCCAGCTGCTTTTGTTACAAGTAAGAAGATATTTATTTTGAAGCA-3'
Protein context (NP_004320.2, residues 155-175): VLLISMAVCI[Ile165Met]AMIIFSSCFC